The following is an entry in ClinVar:

ClinVar aggregate classification (germline): Likely benign (1 of 4 stars; one submission).

Conditions:
Retinitis pigmentosa (RP). Identifiers: Orphanet 791, MedGen C0035334, MeSH D012174, MONDO:0019200, OMIM 268000. Inheritance: Autosomal dominant, autosomal recessive and X linked inheritance.

Allele frequency attached by ClinVar (database versions not stated): gnomAD 0.00094 and 0.00127; TOPMed 0.00124; 1000 Genomes Project 30x 0.00265; 1000 Genomes Project 0.00300.

Submission:

Illumina Laboratory Services, Illumina
Classification: Likely benign for Retinitis pigmentosa. Last evaluated: 2018-01-13. Review status: criteria provided, single submitter. Criteria: ICSL Variant Classification Criteria 13 December 2019. Collection method: clinical testing. Allele origin: germline.
Comment: This variant was observed in the ICSL laboratory as part of a predisposition screen in an ostensibly healthy population. It had not been previously curated by ICSL or reported in the Human Gene Mutation Database (HGMD: prior to June 1st, 2018), and was therefore a candidate for classification through an automated scoring system. Utilizing variant allele frequency, disease prevalence and penetrance estimates, and inheritance mode, an automated score was calculated to assess if this variant is too frequent to cause the disease. Based on the score and internal cut-off values, a variant classified as likely benign is not then subjected to further curation. The score for this variant resulted in a classification of likely benign for this disease.

NM_006269.2(RP1):c.-106G>A

Gene: RP1 (RP1 axonemal microtubule associated; plus strand). Cytogenetic location: 8q12.1.
Variant type: single nucleotide variant.
Coding change: c.-106G>A on transcript NM_006269.2 (MANE Select); 106 bases upstream of the start codon, G replaced by A.
Molecular consequence: 5 prime UTR variant.
Genome position (GRCh38, 1-based): chr8:54,616,109, G>A. VCF-style: chr8-54616109-G-A. GRCh37 (hg19) VCF-style: chr8-55528669-G-A.
Identifiers: ClinVar variation 363274 (VCV000363274.5), dbSNP rs142681427, ClinGen allele CA10631273.
Genomic context (GRCh38, chr8:54,616,109, plus strand): 5'-GTACTCAATCCCTTGCTGGACATACTGAGAATAAATCCAAAGACATTAGTTTCTTTGCAC[G>A]AAATGAGGTTACATATCCAGTGACATTTATTTGAGCTATTTAAACAACTTAAACATCTTT-3'